The following is an entry in ClinVar:

NC_000019.10:g.13599844G>A

Gene: CACNA1A (calcium voltage-gated channel subunit alpha1 A; minus strand). Cytogenetic location: 19p13.13.
Variant type: single nucleotide variant.
Genome position: GRCh38 VCF-style: chr19-13599844-G-A. GRCh37 (hg19) VCF-style: chr19-13710658-G-A.
Identifiers: ClinVar variation 2649397 (VCV002649397.24), dbSNP rs563381519, ClinGen allele CA305621797.

ClinVar aggregate classification (germline): Likely benign (1 of 4 stars; one submission).

Allele frequency attached by ClinVar (database versions not stated): TOPMed 0.00090; 1000 Genomes Project 0.00100; gnomAD 0.00104; 1000 Genomes Project 30x 0.00125.

Submission:

CeGaT Center for Human Genetics Tuebingen
Classification: Likely benign. Last evaluated: 2026-09-01. Review status: criteria provided, single submitter. Criteria: CeGaT Center For Human Genetics Tuebingen Variant Classification Criteria Version 2. Collection method: clinical testing. Allele origin: germline. Affected: yes. Observed: 16 variant alleles.
Comment: CACNA1A: PP2, BS1